The following is an entry in ClinVar:

NM_000051.4(ATM):c.7223C>T (p.Ser2408Leu)

Genes: ATM (ATM serine/threonine kinase; plus strand), C11orf65 (chromosome 11 open reading frame 65; minus strand). Cytogenetic location: 11q22.3.
Variant type: single nucleotide variant.
Coding change: c.7223C>T on transcript NM_000051.4 (MANE Select); coding-DNA position 7223, C replaced by T.
Protein change: p.Ser2408Leu; replaces serine 2408 with leucine.
Molecular consequence: missense variant. On other transcripts: intron variant (2).
Genome position (GRCh38, 1-based): chr11:108,329,154, C>T. VCF-style: chr11-108329154-C-T. GRCh37 (hg19) VCF-style: chr11-108199881-C-T.
Other names: p.S2408L:TCG>TTG; c.7223C>T, p.Ser2408Leu (NM_001351834.2); c.641-20083G>A (NM_001330368.2); c.*38+6066G>A (NM_001351110.2); c.7223C>T (NM_000051.2); short protein forms S2408L.
Identifiers: ClinVar variation 181888 (VCV000181888.65), dbSNP rs730881315, ClinGen allele CA298049.

ClinVar aggregate classification (germline): Uncertain significance. Review status: criteria provided, multiple submitters, no conflicts (2 of 4 stars). 12 submissions from 12 submitters: Uncertain significance (11). 1 of the submissions does not count toward it. Last evaluated 2026-06-01.

Conditions:
ATM-related disorder. Also called: ATM-related disorders; ATM-related condition.
Hereditary cancer-predisposing syndrome. Also called: Hereditary Cancer Syndrome; Tumor predisposition; Neoplastic Syndromes, Hereditary; Hereditary neoplastic syndrome. Identifiers: Orphanet 140162, MedGen C0027672, MeSH D009386, MONDO:0015356.
Familial cancer of breast. Also called: hereditary breast carcinoma; BREAST CANCER, FAMILIAL; Hereditary breast cancer. Identifiers: Orphanet 227535, MedGen C0346153, MONDO:0016419, OMIM 114480. Disease mechanism: loss of function.
Ataxia-telangiectasia syndrome (AT). Also called: ATAXIA-TELANGIECTASIA, COMPLEMENTATION GROUP A; ATAXIA-TELANGIECTASIA, FRESNO VARIANT; Ataxia-telangiectasia; Ataxia-telangiectasia, complementation group E; Cerebello-oculocutaneous telangiectasia; Immunodeficiency with ataxia telangiectasia. Identifiers: Orphanet 100, MedGen C0004135, MONDO:0008840, OMIM 208900.

Allele frequency attached by ClinVar (database versions not stated): gnomAD exomes 0.00001.
gnomAD v4.1: 14 of 1,613,960 alleles (0.00087%); highest among the groups gnomAD compares: East Asian, 0.0022%; no homozygotes.

Submissions (12):

PreventionGenetics, part of Exact Sciences
Classification: Uncertain significance for ATM-related condition. Last evaluated: 2026-06-01. Review status: criteria provided, single submitter. Criteria: ACMG Guidelines, 2015. Collection method: clinical testing. Allele origin: germline.
Comment: The ATM c.7223C>T variant is predicted to result in the amino acid substitution p.Ser2408Leu. To our knowledge, this variant has not been reported in the literature. This variant is reported in 0.0033% of alleles in individuals of South Asian descent in gnomAD and has been reported in ClinVar as uncertain (ClinVar ID: 181888). At this time, the clinical significance of this variant is uncertain due to the absence of conclusive functional and genetic evidence.

Labcorp Genetics (formerly Invitae), Labcorp
Classification: Uncertain significance for Ataxia-telangiectasia syndrome. Last evaluated: 2025-12-26. Review status: criteria provided, single submitter. Criteria: Invitae Variant Classification Sherloc (09022015). Collection method: clinical testing. Allele origin: germline.
Comment: This sequence change replaces serine, which is neutral and polar, with leucine, which is neutral and non-polar, at codon 2408 of the ATM protein (p.Ser2408Leu). This variant is present in population databases (rs730881315, gnomAD 0.003%). This variant has not been reported in the literature in individuals affected with ATM-related conditions. ClinVar contains an entry for this variant (Variation ID: 181888). Invitae Evidence Modeling of protein sequence and biophysical properties (such as structural, functional, and spatial information, amino acid conservation, physicochemical variation, residue mobility, and thermodynamic stability) has been performed for this missense variant. However, the output from this modeling did not meet the statistical confidence thresholds required to predict the impact of this variant on ATM protein function. In summary, the available evidence is currently insufficient to determine the role of this variant in disease. Therefore, it has been classified as a Variant of Uncertain Significance.

Color Diagnostics, LLC DBA Color Health
Classification: Uncertain significance for Hereditary cancer-predisposing syndrome. Last evaluated: 2025-11-25. Review status: criteria provided, single submitter. Criteria: ACMG Guidelines, 2015. Collection method: clinical testing. Allele origin: germline.
Comment: This missense variant replaces serine with leucine at codon 2408 of the ATM protein. Computational prediction is inconclusive regarding the impact of this variant on protein structure and function. To our knowledge, functional studies have not been reported for this variant. This variant has not been reported in individuals affected with ATM-related disorders in the literature. This variant has been identified in 14/1613960 chromosomes in the general population by the Genome Aggregation Database (gnomAD). The available evidence is insufficient to determine the role of this variant in disease conclusively. Therefore, this variant is classified as a Variant of Uncertain Significance.

Center for Genomic Medicine, Rigshospitalet, Copenhagen University Hospital
Classification: Uncertain significance. Last evaluated: 2025-03-04. Review status: criteria provided, single submitter. Criteria: ACMG Guidelines, 2015. Collection method: clinical testing. Allele origin: germline.

CeGaT Center for Human Genetics Tuebingen
Classification: Uncertain significance. Last evaluated: 2025-03-01. Review status: criteria provided, single submitter. Criteria: CeGaT Center For Human Genetics Tuebingen Variant Classification Criteria Version 2. Collection method: clinical testing. Allele origin: germline. Affected: yes. Observed: 3 variant alleles.
Comment: ATM: PM2, BP1

GeneDx
Classification: Uncertain significance. Last evaluated: 2025-02-23. Review status: criteria provided, single submitter. Criteria: GeneDx Variant Classification Process June 2021. Collection method: clinical testing. Allele origin: germline. Affected: yes.
Comment: Not observed at significant frequency in large population cohorts (gnomAD); In silico analysis supports that this missense variant has a deleterious effect on protein structure/function; Has not been previously published as pathogenic or benign to our knowledge; This variant is associated with the following publications: (PMID: 17344846, 22529920, 27089234, 27245685, 23532176)

Ambry Genetics
Classification: Uncertain significance for Hereditary cancer-predisposing syndrome. Last evaluated: 2024-12-30. Review status: criteria provided, single submitter. Criteria: Ambry Variant Classification Scheme 2023. Collection method: clinical testing. Allele origin: germline.
Comment: The p.S2408L variant (also known as c.7223C>T), located in coding exon 48 of the ATM gene, results from a C to T substitution at nucleotide position 7223. The serine at codon 2408 is replaced by leucine, an amino acid with dissimilar properties. This amino acid position is highly conserved in available vertebrate species. In addition, this alteration is predicted to be deleterious by in silico analysis. Based on the available evidence, the clinical significance of this variant remains unclear.

Blueprint Genetics
Classification: Uncertain significance. Last evaluated: 2024-09-16. Review status: criteria provided, single submitter. Criteria: ACMG Guidelines, 2015. Collection method: clinical testing. Allele origin: germline.

Baylor Genetics
Classification: Uncertain significance for Familial cancer of breast. Last evaluated: 2024-01-30. Review status: criteria provided, single submitter. Criteria: ACMG Guidelines, 2015. Collection method: clinical testing. Allele origin: unknown.

Department of Pathology and Laboratory Medicine, Sinai Health System
Classification: Uncertain significance for Familial cancer of breast. Last evaluated: 2022-08-30. Review status: criteria provided, single submitter. Criteria: ACMG Guidelines, 2015. Collection method: clinical testing. Allele origin: germline. Affected: yes.

Illumina Laboratory Services, Illumina
Classification: Uncertain significance for Ataxia-telangiectasia syndrome. Last evaluated: 2018-01-12. Review status: criteria provided, single submitter. Criteria: ICSL Variant Classification Criteria 13 December 2019. Collection method: clinical testing. Allele origin: germline.

Natera, Inc.
Classification: Uncertain significance for Ataxia-telangiectasia. Last evaluated: 2020-08-25. Review status: no assertion criteria provided. Collection method: clinical testing. Allele origin: germline. Not counted in ClinVar's aggregate classification.